The following is an entry in ClinVar:

NM_203486.3(DLL3):c.902C>T (p.Pro301Leu)

Gene: DLL3 (delta like canonical Notch ligand 3; plus strand). Cytogenetic location: 19q13.2.
Variant type: single nucleotide variant.
Coding change: c.902C>T on transcript NM_203486.3 (MANE Select); coding-DNA position 902, C replaced by T.
Protein change: p.Pro301Leu; replaces proline 301 with leucine.
Molecular consequence: missense variant.
Genome position (GRCh38, 1-based): chr19:39,505,260, C>T. VCF-style: chr19-39505260-C-T. GRCh37 (hg19) VCF-style: chr19-39995900-C-T.
Other names: c.902C>T, p.Pro301Leu (NM_016941.4); short protein forms P301L.
Identifiers: ClinVar variation 894586 (VCV000894586.9), dbSNP rs781626135, ClinGen allele CA9432304.
Genomic context (GRCh38, chr19:39,505,260, plus strand): 5'-CCTTCTCAAGTACTCTTGTCCCTGCCCAGGAGACACCCAGGTCCTTTGAATGCACCTGCC[C>T]GCGTGGGTTCTACGGGCTGCGGTGTGAGGTGAGCGGGGTGACATGTGCAGATGGACCCTG-3'
Protein context (NP_982353.1, residues 291-311): ETPRSFECTC[Pro301Leu]RGFYGLRCEV

ClinVar aggregate classification (germline): Uncertain significance. Review status: criteria provided, multiple submitters, no conflicts (2 of 4 stars). 4 submissions from 3 submitters: Uncertain significance (4). Last evaluated 2025-05-20.

Conditions:
Inborn genetic diseases. Identifiers: MedGen C0950123, MeSH D030342.
Spondylocostal dysostosis 1, autosomal recessive (SCDO1). Also called: DLL3-Related Spondylocostal Dysostosis, Autosomal Recessive. Identifiers: Orphanet 2311, MedGen CN032975, MONDO:0020692, OMIM 277300.
Syndactyly. Also called: Webbed fingers or toes. Identifiers: MedGen C0039075, MONDO:0021002, HP:0001159.

Allele frequency attached by ClinVar (database versions not stated): TOPMed 0.00001; gnomAD 0.00002; gnomAD exomes 0.00004; ExAC 0.00006.
gnomAD v4.1: 39 of 1,614,028 alleles (0.0024%); highest among the groups gnomAD compares: East Asian, 0.0067%; 1 homozygote.

Submissions (4):

Ambry Genetics
Classification: Uncertain significance for Inborn genetic diseases. Last evaluated: 2025-05-20. Review status: criteria provided, single submitter. Criteria: Ambry Variant Classification Scheme 2023. Collection method: clinical testing. Allele origin: germline.

Labcorp Genetics (formerly Invitae), Labcorp
Classification: Uncertain significance. Last evaluated: 2021-08-30. Review status: criteria provided, single submitter. Criteria: Invitae Variant Classification Sherloc (09022015). Collection method: clinical testing. Allele origin: germline.
Comment: This sequence change replaces proline with leucine at codon 301 of the DLL3 protein (p.Pro301Leu). The proline residue is highly conserved and there is a moderate physicochemical difference between proline and leucine. This variant is present in population databases (rs781626135, ExAC 0.01%). This variant has not been reported in the literature in individuals affected with DLL3-related conditions. ClinVar contains an entry for this variant (Variation ID: 894586). Algorithms developed to predict the effect of missense changes on protein structure and function are either unavailable or do not agree on the potential impact of this missense change (SIFT: "Deleterious"; PolyPhen-2: "Probably Damaging"; Align-GVGD: "Class C0"). In summary, the available evidence is currently insufficient to determine the role of this variant in disease. Therefore, it has been classified as a Variant of Uncertain Significance.

Illumina Laboratory Services, Illumina
Classification: Uncertain significance for Non-syndromic syndactyly. Last evaluated: 2018-01-13. Review status: criteria provided, single submitter. Criteria: ICSL Variant Classification Criteria 13 December 2019. Collection method: clinical testing. Allele origin: germline.

Illumina Laboratory Services, Illumina
Classification: Uncertain significance for Spondylocostal dysostosis 1, autosomal recessive. Last evaluated: 2018-01-13. Review status: criteria provided, single submitter. Criteria: ICSL Variant Classification Criteria 13 December 2019. Collection method: clinical testing. Allele origin: germline.